The following is an entry in ClinVar:

ClinVar aggregate classification (germline): Uncertain significance. Review status: criteria provided, multiple submitters, no conflicts (2 of 4 stars). 2 submissions from 2 submitters: Uncertain significance (2). Last evaluated 2024-12-12.

Conditions:
Duchenne muscular dystrophy (DMD). Also called: Duchenne Muscular Dystrophy (DMD); MUSCULAR DYSTROPHY, PSEUDOHYPERTROPHIC PROGRESSIVE, DUCHENNE TYPE. Identifiers: Orphanet 98896, MedGen C0013264, MONDO:0010679, OMIM 310200.

gnomAD v4.1: 3 of 1,210,367 alleles (0.00025%); highest among the groups gnomAD compares: Non-Finnish European, 0.00034%; no homozygotes.

Submissions (2):

Labcorp Genetics (formerly Invitae), Labcorp
Classification: Uncertain significance for Duchenne muscular dystrophy. Last evaluated: 2024-12-12. Review status: criteria provided, single submitter. Criteria: Invitae Variant Classification Sherloc (09022015). Collection method: clinical testing. Allele origin: germline.
Comment: This sequence change replaces tryptophan, which is neutral and slightly polar, with serine, which is neutral and polar, at codon 1670 of the DMD protein (p.Trp1670Ser). This variant is not present in population databases (gnomAD no frequency). This variant has not been reported in the literature in individuals affected with DMD-related conditions. ClinVar contains an entry for this variant (Variation ID: 2440821). Invitae Evidence Modeling of protein sequence and biophysical properties (such as structural, functional, and spatial information, amino acid conservation, physicochemical variation, residue mobility, and thermodynamic stability) indicates that this missense variant is not expected to disrupt DMD protein function with a negative predictive value of 95%. In summary, the available evidence is currently insufficient to determine the role of this variant in disease. Therefore, it has been classified as a Variant of Uncertain Significance.

Revvity Omics, Revvity
Classification: Uncertain significance. Last evaluated: 2022-06-27. Review status: criteria provided, single submitter. Criteria: ACMG Guidelines, 2015. Collection method: clinical testing. Allele origin: germline.

NM_004006.3(DMD):c.5009G>C (p.Trp1670Ser)

Gene: DMD (dystrophin; minus strand). Cytogenetic location: Xp21.1.
Variant type: single nucleotide variant.
Coding change: c.5009G>C on transcript NM_004006.3 (MANE Select); coding-DNA position 5009, G replaced by C.
Protein change: p.Trp1670Ser; replaces tryptophan 1670 with serine.
Molecular consequence: missense variant.
Genome position (GRCh38, 1-based): chrX:32,365,036, C>G on the plus strand (G>C on the coding strand, the complement: DMD is on the minus strand). VCF-style: chrX-32365036-C-G. GRCh37 (hg19) VCF-style: chrX-32383153-C-G.
Other names: c.4985G>C, p.Trp1662Ser (NM_000109.4); c.4997G>C, p.Trp1666Ser (NM_004009.3); c.4640G>C, p.Trp1547Ser (NM_004010.3); c.986G>C, p.Trp329Ser (NM_004011.4); c.977G>C, p.Trp326Ser (NM_004012.4); short protein forms W1547S, W1662S, W1666S, W1670S, W326S, W329S.
Identifiers: ClinVar variation 2440821 (VCV002440821.5), dbSNP rs2147258786, ClinGen allele CA412671788.